The following is an entry in ClinVar:

ClinVar aggregate classification (germline): Conflicting classifications of pathogenicity. Review status: criteria provided, conflicting classifications (1 of 4 stars). 5 submissions from 5 submitters: Uncertain significance (4); Likely benign (1). Last evaluated 2024-05-14.

Conditions:
Breast-ovarian cancer, familial, susceptibility to, 1 (BROVCA1). Also called: OVARIAN CANCER, SUSCEPTIBILITY TO; BRCA1 Hereditary Breast and Ovarian Cancer. Identifiers: Orphanet 145, MedGen C2676676, MONDO:0011450, OMIM 604370. Disease mechanism: loss of function.
Hereditary breast ovarian cancer syndrome. Also called: Hereditary breast and ovarian cancer; Hereditary breast and/or ovarian cancer syndrome; Breast and ovarian cancer; BRCA1- and BRCA2-Associated Hereditary Breast and Ovarian Cancer; Hereditary breast and ovarian cancer syndrome (HBOC); Hereditary breast and ovarian cancer syndrome. Identifiers: Orphanet 145, MedGen C0677776, MeSH D061325, MONDO:0003582. Disease mechanism: loss of function.
Hereditary cancer-predisposing syndrome. Also called: Tumor predisposition; Hereditary Cancer Syndrome; Hereditary neoplastic syndrome; Neoplastic Syndromes, Hereditary. Identifiers: Orphanet 140162, MedGen C0027672, MeSH D009386, MONDO:0015356.

Submissions (5):

KCCC/NGS Laboratory, Kuwait Cancer Control Center
Classification: Uncertain significance for Breast-ovarian cancer, familial, susceptibility to, 1. Last evaluated: 2024-05-14. Review status: criteria provided, single submitter. Criteria: ACMG Guidelines, 2015. Collection method: clinical testing. Allele origin: germline. Inheritance: Autosomal dominant inheritance. Affected: yes. Observed: 1 heterozygote.
Comment: This sequence change replaces cysteine, which is neutral and slightly polar, with phenylalanine, which is neutral and non-polar, at codon 636 of the BRCA1 protein (p.Cys636Phe).This amino acid position is not well conserved (PhyloP=-013). This variant is not present in population databases (gnomAD no frequency). This variant has not been reported in the literature in individuals affected with BRCA1-related conditions. In addition, this alteration is predicted to be tolerated by in silico analysis. In summary, the available evidence is currently insufficient to determine the role of this variant in disease.

University of Washington Department of Laboratory Medicine, University of Washington
Classification: Likely benign for Hereditary cancer-predisposing syndrome. Last evaluated: 2023-03-23. Review status: criteria provided, single submitter. Criteria: Dines et al. (Genet Med. 2020). Collection method: curation. Allele origin: germline.
Comment: Missense variant in a coldspot region where missense variants are very unlikely to be pathogenic (PMID:31911673).

BRCA1 coldspot (exon 11 using historical exon numbering). Reclassification based on statistical prior probability

Ambry Genetics
Classification: Uncertain significance for Hereditary cancer-predisposing syndrome. Last evaluated: 2022-04-02. Review status: criteria provided, single submitter. Criteria: Ambry Variant Classification Scheme 2023. Collection method: clinical testing. Allele origin: germline.
Comment: The p.C636F variant (also known as c.1907G>T), located in coding exon 9 of the BRCA1 gene, results from a G to T substitution at nucleotide position 1907. The cysteine at codon 636 is replaced by phenylalanine, an amino acid with highly dissimilar properties. This amino acid position is conserved. In addition, this alteration is predicted to be tolerated by in silico analysis. Since supporting evidence is limited at this time, the clinical significance of this alteration remains unclear.

AiLife Diagnostics
Classification: Uncertain significance. Last evaluated: 2022-02-24. Review status: criteria provided, single submitter. Criteria: ACMG Guidelines, 2015. Collection method: clinical testing. Allele origin: germline. Affected: yes. Observed: 1 variant allele.

Labcorp Genetics (formerly Invitae), Labcorp
Classification: Uncertain significance for Hereditary breast ovarian cancer syndrome. Last evaluated: 2021-11-08. Review status: criteria provided, single submitter. Criteria: Invitae Variant Classification Sherloc (09022015). Collection method: clinical testing. Allele origin: germline.
Comment: Advanced modeling of protein sequence and biophysical properties (such as structural, functional, and spatial information, amino acid conservation, physicochemical variation, residue mobility, and thermodynamic stability) performed at Invitae indicates that this missense variant is not expected to disrupt BRCA1 protein function. In summary, the available evidence is currently insufficient to determine the role of this variant in disease. Therefore, it has been classified as a Variant of Uncertain Significance. This variant has not been reported in the literature in individuals affected with BRCA1-related conditions. This variant is not present in population databases (gnomAD no frequency). This sequence change replaces cysteine, which is neutral and slightly polar, with phenylalanine, which is neutral and non-polar, at codon 636 of the BRCA1 protein (p.Cys636Phe).

NM_007294.4(BRCA1):c.1907G>T (p.Cys636Phe)

Gene: BRCA1 (BRCA1 DNA repair associated; minus strand). Cytogenetic location: 17q21.31.
Variant type: single nucleotide variant.
Coding change: c.1907G>T on transcript NM_007294.4 (MANE Select); coding-DNA position 1907, G replaced by T.
Protein change: p.Cys636Phe; replaces cysteine 636 with phenylalanine.
Molecular consequence: missense variant. On other transcripts: intron variant (137).
Genome position (GRCh38, 1-based): chr17:43,093,624, C>A on the plus strand (G>T on the coding strand, the complement: BRCA1 is on the minus strand). VCF-style: chr17-43093624-C-A. GRCh37 (hg19) VCF-style: chr17-41245641-C-A.
Other names: c.1694G>T, p.Cys565Phe (NM_001407571.1, NM_001407894.1, NM_001407915.1 and 9 more transcripts); c.1907G>T, p.Cys636Phe (NM_001407581.1, NM_001407582.1, NM_001407583.1 and 30 more transcripts); c.1904G>T, p.Cys635Phe (NM_001407587.1, NM_001407590.1, NM_001407591.1 and 22 more transcripts); c.1829G>T, p.Cys610Phe (NM_001407656.1, NM_001407657.1, NM_001407658.1 and 4 more transcripts); c.1826G>T, p.Cys609Phe (NM_001407659.1, NM_001407660.1, NM_001407661.1 and 1 more transcripts); c.1784G>T, p.Cys595Phe (NM_001407664.1, NM_001407675.1, NM_001407676.1 and 19 more transcripts); c.1766G>T, p.Cys589Phe (NM_001407695.1, NM_001407696.1, NM_001407697.1 and 29 more transcripts); c.1763G>T, p.Cys588Phe (NM_001407740.1, NM_001407741.1, NM_001407742.1 and 20 more transcripts); and 41 more; short protein forms C589F, C636F, C340F, C547F, C594F, C635F, C524F, C525F.
Identifiers: ClinVar variation 1352429 (VCV001352429.14), dbSNP rs398122649, ClinGen allele CA10598209.